The following is an entry in ClinVar:

CM000665.1:g.162132155_162142475dup

Variant type: Duplication.
Identifiers: ClinVar variation 156892 (VCV000156892.2).

ClinVar aggregate classification (germline): not provided (0 of 4 stars; one submission).

Conditions:
Small for gestational age. Also called: Low birth weight. Identifiers: MedGen C0235991, HP:0001518.

Submission:

Institute of Molecular and Cell Biology, University of Tartu
No classification provided. Condition: Small for gestational age. Review status: no classification provided. Collection method: case-control. Allele origin: unknown. Affected: yes. Study: Kasak2014.
Comment: The study aimed to determine the contribution of copy number variants in the genetic etiology of normal and complicated pregnancies. The samples represented (i) maternal blood DNA drawn from healthy pregnant women during 1st or 2nd trimester and (ii) maternal and paternal blood DNA drawn at term pregnancy cases representing normal and complicated gestations (severe preeclampsia, PE; gestational diabetes, GD; small-for-gestational age newborn, SGA; large-for-gestational age newborn, LGA). We performed CNV calling based on genome-wide genotyping dataset (Illumina HumanOmniExpress-24-v1 BeadChip) by applying three algorithms, QuantiSNP, GADA (Genome Alteration Detection Algorithm) and CNstream in parallel. The acquired CNV calls were merged with HD-CNV (Hotspot Detector for Copy Number Variants) program and only the CNVs predicted by at least two programs, were considered in subsequent analysis.

Literature cited by the submitters: PubMed 25666259.